The following is an entry in ClinVar:

NM_032578.4(MYPN):c.2534C>A (p.Ala845Asp)

Gene: MYPN (myopalladin; plus strand). Cytogenetic location: 10q21.3.
Variant type: single nucleotide variant.
Coding change: c.2534C>A on transcript NM_032578.4 (MANE Select); coding-DNA position 2534, C replaced by A.
Protein change: p.Ala845Asp; replaces alanine 845 with aspartic acid.
Molecular consequence: missense variant. On other transcripts: non-coding transcript variant (2).
Genome position (GRCh38, 1-based): chr10:68,174,626, C>A. VCF-style: chr10-68174626-C-A. GRCh37 (hg19) VCF-style: chr10-69934383-C-A.
Other names: c.2534C>A, p.Ala845Asp (NM_001256267.2); c.1652C>A, p.Ala551Asp (NM_001256268.2); short protein forms A551D, A845D.
Identifiers: ClinVar variation 1792735 (VCV001792735.2), dbSNP rs778786073, ClinGen allele CA376848156.

ClinVar aggregate classification (germline): Uncertain significance (1 of 4 stars; one submission).

Conditions:
Cardiovascular phenotype. Identifiers: MedGen CN230736.

gnomAD v4.1: 1 of 1,614,116 alleles (0.000062%); highest among the groups gnomAD compares: East Asian, 0.0022%; no homozygotes.

Submission:

Ambry Genetics
Classification: Uncertain significance for Cardiovascular phenotype. Last evaluated: 2021-12-23. Review status: criteria provided, single submitter. Criteria: Ambry Variant Classification Scheme 2023. Collection method: clinical testing. Allele origin: germline.
Comment: The p.A845D variant (also known as c.2534C>A), located in coding exon 10 of the MYPN gene, results from a C to A substitution at nucleotide position 2534. The alanine at codon 845 is replaced by aspartic acid, an amino acid with dissimilar properties. This amino acid position is conserved. In addition, the in silico prediction for this alteration is inconclusive. Since supporting evidence is limited at this time, the clinical significance of this alteration remains unclear.